The following is an entry in ClinVar:

NM_152464.3(VMA12):c.-7del

Gene: VMA12 (vacuolar ATPase assembly factor VMA12; plus strand). Cytogenetic location: 17q11.2.
Variant type: Deletion.
Coding change: c.-7del on transcript NM_152464.3 (MANE Select); 7 bases upstream of the start codon, one base deleted (G; older notation c.-7delG).
Molecular consequence: 5 prime UTR variant.
Genome position (GRCh38, 1-based): chr17:28,357,664, G deleted; the last of 2 consecutive G bases (chr17:28,357,663-28,357,664); deleting either gives the same sequence. VCF-style (leftmost placement, unchanged base first): chr17-28357662-CG-C. GRCh37 (hg19) VCF-style: chr17-26684685-CG-C.
Identifiers: ClinVar variation 3048564 (VCV003048564.2), dbSNP rs1555581366, ClinGen allele CA625774551.

ClinVar aggregate classification (germline): Likely benign (0 of 4 stars; one submission).

Conditions:
TMEM199-related disorder. Also called: TMEM199-related condition.

Submission:

PreventionGenetics, part of Exact Sciences
Classification: Likely benign for TMEM199-related condition. Last evaluated: 2019-11-20. Review status: no assertion criteria provided. Collection method: clinical testing. Allele origin: germline.
Comment: This variant is classified as likely benign based on ACMG/AMP sequence variant interpretation guidelines (Richards et al. 2015 PMID: 25741868, with internal and published modifications).